The following is an entry in ClinVar:

ClinVar aggregate classification (germline): Likely benign. Review status: criteria provided, single submitter (1 of 4 stars). 2 submissions from 2 submitters: Likely benign (1). 1 of the submissions does not count toward it. Last evaluated 2025-12-08.

Conditions:
Peutz-Jeghers syndrome (PJS). Also called: POLYPOSIS, HAMARTOMATOUS INTESTINAL; POLYPS-AND-SPOTS SYNDROME; Peutz-Jeghers polyposis; Periorificial lentiginosis syndrome. Identifiers: Orphanet 2869, MedGen C0031269, MeSH D010580, MONDO:0008280, OMIM 175200.
Carcinoma of colon (CRC). Also called: Colonic carcinoma; Colon carcinoma. Identifiers: MedGen C0699790, MONDO:0002032.

Allele frequency attached by ClinVar (database versions not stated): TOPMed 0.00001.
gnomAD v4.1: 2 of 1,601,808 alleles (0.00012%); highest among the groups gnomAD compares: African/African-American, 0.0013%; no homozygotes.

Submissions (2):

Labcorp Genetics (formerly Invitae), Labcorp
Classification: Likely benign for Peutz-Jeghers syndrome. Last evaluated: 2025-12-08. Review status: criteria provided, single submitter. Criteria: Invitae Variant Classification Sherloc (09022015). Collection method: clinical testing. Allele origin: germline.

Department of Pathology and Laboratory Medicine, Sinai Health System
Classification: Likely benign for Carcinoma of colon. Review status: no assertion criteria provided. Collection method: clinical testing. Allele origin: unknown. Affected: yes. Study: The Canadian Open Genetics Repository (COGR). Not counted in ClinVar's aggregate classification.
Comment: The STK11 c.734+14C>A variant was not identified in the literature nor was it identified in the ClinVar or LOVD 3.0 databases. The variant was identified in dbSNP (rs763346212) as â€šÃ„ÃºNAâ€šÃ„Ã¹. The variant was not identified in the following control databases: the Exome Aggregation Consortium (August 8th 2016) or the Genome Aggregation Database (Feb 27, 2017). The variant occurs at a non-highly conserved nucleotide outside of the splicing consensus sequence and in silico or computational prediction software programs (SpliceSiteFinder, MaxEntScan, NNSPLICE, GeneSplicer) do not predict a difference in splicing. In summary, based on the above information, the clinical significance of this variant cannot be determined with certainty at this time although we would lean towards a more benign role for this variant. This variant is classified as likely benign.

NM_000455.5(STK11):c.734+14C>A

Gene: STK11 (serine/threonine kinase 11; plus strand). Cytogenetic location: 19p13.3.
Variant type: single nucleotide variant.
Coding change: c.734+14C>A on transcript NM_000455.5 (MANE Select); 14 bases into the intron after coding-DNA position 734, C replaced by A.
Molecular consequence: intron variant.
Genome position (GRCh38, 1-based): chr19:1,220,731, C>A. VCF-style: chr19-1220731-C-A. GRCh37 (hg19) VCF-style: chr19-1220730-C-A.
Identifiers: ClinVar variation 1050060 (VCV001050060.9), dbSNP rs763346212, ClinGen allele CA783335155.